The following is an entry in ClinVar:

NM_017882.3(CLN6):c.115C>T (p.Arg39Cys)

Gene: CLN6 (CLN6 transmembrane ER protein; minus strand). Cytogenetic location: 15q23.
Variant type: single nucleotide variant.
Coding change: c.115C>T on transcript NM_017882.3 (MANE Select); coding-DNA position 115, C replaced by T.
Protein change: p.Arg39Cys; replaces arginine 39 with cysteine.
Molecular consequence: missense variant.
Genome position (GRCh38, 1-based): chr15:68,218,619, G>A on the plus strand (C>T on the coding strand, the complement: CLN6 is on the minus strand). VCF-style: chr15-68218619-G-A. GRCh37 (hg19) VCF-style: chr15-68510957-G-A.
Other names: short protein forms R39C.
Identifiers: ClinVar variation 571047 (VCV000571047.4), dbSNP rs142260866, ClinGen allele CA7630709.

ClinVar aggregate classification (germline): Uncertain significance. Review status: criteria provided, multiple submitters, no conflicts (2 of 4 stars). 2 submissions from 2 submitters: Uncertain significance (2). Last evaluated 2022-08-23.

Conditions:
Neuronal ceroid lipofuscinosis. Also called: Neuronal Ceroid Lipofuscinoses. Identifiers: Orphanet 216, Orphanet 79263, MedGen C0027877, MONDO:0016295. Disease mechanism: loss of function.

Allele frequency attached by ClinVar (database versions not stated): TOPMed 0.00004.

Submissions (2):

Labcorp Genetics (formerly Invitae), Labcorp
Classification: Uncertain significance for Neuronal ceroid lipofuscinosis. Last evaluated: 2022-08-23. Review status: criteria provided, single submitter. Criteria: Invitae Variant Classification Sherloc (09022015). Collection method: clinical testing. Allele origin: germline.
Comment: This sequence change replaces arginine, which is basic and polar, with cysteine, which is neutral and slightly polar, at codon 39 of the CLN6 protein (p.Arg39Cys). This variant is present in population databases (rs142260866, gnomAD 0.02%). This variant has not been reported in the literature in individuals affected with CLN6-related conditions. ClinVar contains an entry for this variant (Variation ID: 571047). Algorithms developed to predict the effect of missense changes on protein structure and function are either unavailable or do not agree on the potential impact of this missense change (SIFT: "Deleterious"; PolyPhen-2: "Benign"; Align-GVGD: "Class C15"). In summary, the available evidence is currently insufficient to determine the role of this variant in disease. Therefore, it has been classified as a Variant of Uncertain Significance.

GeneDx
Classification: Uncertain significance. Last evaluated: 2019-06-14. Review status: criteria provided, single submitter. Criteria: GeneDx Variant Classification Process June 2021. Collection method: clinical testing. Allele origin: germline. Affected: yes.
Comment: In silico analysis, which includes protein predictors and evolutionary conservation, supports a deleterious effect; Has not been previously published as pathogenic or benign to our knowledge